The following is an entry in ClinVar:

ClinVar aggregate classification (germline): Likely benign. Review status: criteria provided, single submitter (1 of 4 stars). 2 submissions from 2 submitters: Likely benign (1). 1 of the submissions does not count toward it. Last evaluated 2021-11-22.

Conditions:
ADAMTS10-related disorder. Also called: ADAMTS10-related condition.

Allele frequency attached by ClinVar (database versions not stated): gnomAD exomes 0.00001.
gnomAD v4.1: 3 of 1,537,270 alleles (0.0002%); highest among the groups gnomAD compares: Admixed American, 0.0059%; no homozygotes.

Submissions (2):

Labcorp Genetics (formerly Invitae), Labcorp
Classification: Likely benign. Last evaluated: 2021-11-22. Review status: criteria provided, single submitter. Criteria: Invitae Variant Classification Sherloc (09022015). Collection method: clinical testing. Allele origin: germline.

PreventionGenetics, part of Exact Sciences
Classification: Likely benign for ADAMTS10-related condition. Last evaluated: 2019-08-13. Review status: no assertion criteria provided. Collection method: clinical testing. Allele origin: germline. Not counted in ClinVar's aggregate classification.
Comment: This variant is classified as likely benign based on ACMG/AMP sequence variant interpretation guidelines (Richards et al. 2015 PMID: 25741868, with internal and published modifications).

NM_030957.4(ADAMTS10):c.2865+9C>T

Gene: ADAMTS10 (ADAM metallopeptidase with thrombospondin type 1 motif 10; minus strand). Cytogenetic location: 19p13.2.
Variant type: single nucleotide variant.
Coding change: c.2865+9C>T on transcript NM_030957.4 (MANE Select); 9 bases into the intron after coding-DNA position 2865, C replaced by T.
Molecular consequence: intron variant.
Genome position (GRCh38, 1-based): chr19:8,585,447, G>A on the plus strand (C>T on the coding strand, the complement: ADAMTS10 is on the minus strand). VCF-style: chr19-8585447-G-A. GRCh37 (hg19) VCF-style: chr19-8650331-G-A.
Other names: c.1326+9C>T (NM_001282352.2); c.2865+9C>T (NM_030957.3).
Identifiers: ClinVar variation 1554184 (VCV001554184.10), dbSNP rs1555736760, ClinGen allele CA631705178.